The following is an entry in ClinVar:

NM_017514.5(PLXNA3):c.4565A>G (p.Gln1522Arg)

Gene: PLXNA3 (plexin A3; plus strand). Cytogenetic location: Xq28.
Variant type: single nucleotide variant.
Coding change: c.4565A>G on transcript NM_017514.5 (MANE Select); coding-DNA position 4565, A replaced by G.
Protein change: p.Gln1522Arg; replaces glutamine 1522 with arginine.
Molecular consequence: missense variant.
Genome position (GRCh38, 1-based): chrX:154,469,186, A>G. VCF-style: chrX-154469186-A-G. GRCh37 (hg19) VCF-style: chrX-153697529-A-G.
Other names: short protein forms Q1522R.
Identifiers: ClinVar variation 5001355 (VCV005001355.1).

ClinVar aggregate classification (germline): Uncertain significance (1 of 4 stars; one submission).

Conditions:
PLXNA3-related disorder. Also called: PLXNA3-related condition.

Submission:

PreventionGenetics, part of Exact Sciences
Classification: Uncertain significance for PLXNA3-related condition. Last evaluated: 2025-04-10. Review status: criteria provided, single submitter. Criteria: ACMG Guidelines, 2015. Collection method: clinical testing. Allele origin: germline.
Comment: The PLXNA3 c.4565A>G variant is predicted to result in the amino acid substitution p.Gln1522Arg. To our knowledge, this variant has not been reported in the literature or in a large population database (gnomAD), indicating this variant is rare. At this time, the clinical significance of this variant is uncertain due to the absence of conclusive functional and genetic evidence.